The following is an entry in ClinVar:

NM_004655.4(AXIN2):c.1397C>G (p.Ser466Cys)

Gene: AXIN2 (axin 2; minus strand). Cytogenetic location: 17q24.1.
Variant type: single nucleotide variant.
Coding change: c.1397C>G on transcript NM_004655.4 (MANE Select); coding-DNA position 1397, C replaced by G.
Protein change: p.Ser466Cys; replaces serine 466 with cysteine.
Molecular consequence: missense variant.
Genome position (GRCh38, 1-based): chr17:65,537,639, G>C on the plus strand (C>G on the coding strand, the complement: AXIN2 is on the minus strand). VCF-style: chr17-65537639-G-C. GRCh37 (hg19) VCF-style: chr17-63533757-G-C.
Other names: c.1397C>G, p.Ser466Cys (NM_001363813.1); short protein forms S466C.
Identifiers: ClinVar variation 444413 (VCV000444413.48), dbSNP rs1064793954, ClinGen allele CA400677588.

ClinVar aggregate classification (germline): Uncertain significance. Review status: criteria provided, multiple submitters, no conflicts (2 of 4 stars). 2 submissions from 2 submitters: Uncertain significance (2). Last evaluated 2022-10-10.

Conditions:
Oligodontia-cancer predisposition syndrome. Also called: TOOTH AGENESIS-COLORECTAL CANCER SYNDROME. Identifiers: Orphanet 300576, MedGen C1837750, MONDO:0012075, OMIM 608615. Disease mechanism: loss of function.

gnomAD v4.1: 1 of 1,578,888 alleles (0.000063%); highest among the groups gnomAD compares: Non-Finnish European, 0.000086%; no homozygotes.

Submissions (2):

Labcorp Genetics (formerly Invitae), Labcorp
Classification: Uncertain significance for Oligodontia-cancer predisposition syndrome. Last evaluated: 2022-10-10. Review status: criteria provided, single submitter. Criteria: Invitae Variant Classification Sherloc (09022015). Collection method: clinical testing. Allele origin: germline.
Comment: In summary, the available evidence is currently insufficient to determine the role of this variant in disease. Therefore, it has been classified as a Variant of Uncertain Significance. Advanced modeling of protein sequence and biophysical properties (such as structural, functional, and spatial information, amino acid conservation, physicochemical variation, residue mobility, and thermodynamic stability) performed at Invitae indicates that this missense variant is expected to disrupt AXIN2 protein function. ClinVar contains an entry for this variant (Variation ID: 444413). This variant has not been reported in the literature in individuals affected with AXIN2-related conditions. This variant is not present in population databases (gnomAD no frequency). This sequence change replaces serine, which is neutral and polar, with cysteine, which is neutral and slightly polar, at codon 466 of the AXIN2 protein (p.Ser466Cys).

CeGaT Center for Human Genetics Tuebingen
Classification: Uncertain significance. Last evaluated: 2017-02-01. Review status: criteria provided, single submitter. Criteria: CeGaT Center For Human Genetics Tuebingen Variant Classification Criteria Version 2. Collection method: clinical testing. Allele origin: germline. Affected: yes. Observed: 2 variant alleles.